The following is an entry in ClinVar:

ClinVar aggregate classification (germline): Likely benign. Review status: criteria provided, multiple submitters, no conflicts (2 of 4 stars). 2 submissions from 2 submitters: Likely benign (2). Last evaluated 2025-10-01.

Conditions:
Early-infantile DEE. Also called: Early infantile epileptic encephalopathy; Ohtahara syndrome; Early infantile epileptic encephalopathy with suppression bursts. Identifiers: Orphanet 1934, MedGen C0393706, MONDO:0800491.

Allele frequency attached by ClinVar (database versions not stated): TOPMed 0.00001; ExAC 0.00002; gnomAD exomes 0.00002 and 0.00003; ESP Exome Variant Server 0.00008.
gnomAD v4.1: 47 of 1,612,532 alleles (0.0029%); highest among the groups gnomAD compares: Non-Finnish European, 0.0036%; no homozygotes.

Submissions (2):

CeGaT Center for Human Genetics Tuebingen
Classification: Likely benign. Last evaluated: 2025-10-01. Review status: criteria provided, single submitter. Criteria: CeGaT Center For Human Genetics Tuebingen Variant Classification Criteria Version 2. Collection method: clinical testing. Allele origin: germline. Affected: yes. Observed: 2 variant alleles.
Comment: SCN1A: BP4, BP7

Labcorp Genetics (formerly Invitae), Labcorp
Classification: Likely benign for Early-infantile DEE. Last evaluated: 2024-11-25. Review status: criteria provided, single submitter. Criteria: Invitae Variant Classification Sherloc (09022015). Collection method: clinical testing. Allele origin: germline.

NM_001165963.4(SCN1A):c.765G>A (p.Val255=)

Gene: SCN1A (sodium voltage-gated channel alpha subunit 1; minus strand). Cytogenetic location: 2q24.3.
Variant type: single nucleotide variant.
Coding change: c.765G>A on transcript NM_001165963.4 (MANE Select); coding-DNA position 765, G replaced by A.
Protein change: p.Val255=; no amino-acid change (valine 255 retained).
Molecular consequence: synonymous variant. On other transcripts: 5 prime UTR variant (1), non-coding transcript variant (1).
Genome position (GRCh38, 1-based): chr2:166,051,918, C>T on the plus strand (G>A on the coding strand, the complement: SCN1A is on the minus strand). VCF-style: chr2-166051918-C-T. GRCh37 (hg19) VCF-style: chr2-166908428-C-T.
Other names: c.765G>A, p.Val255= (NM_001165964.3, NM_001202435.3, NM_001353948.2 and 10 more transcripts); c.-1661G>A (NM_001353961.2).
Identifiers: ClinVar variation 1097264 (VCV001097264.43), dbSNP rs377331238, ClinGen allele CA1943436.
Genomic context (GRCh38, chr2:166,051,918, plus strand): 5'-ATTCCTCAGGTTGCCCATGAACAGCTGCAGCCCAATTAGAGCAAATACGCTCAGACAGAA[C>T]ACAGTCAGGATCATTACATCTGAGAGCTTCTTCACAGACTGGATCAGGGCTCCCACAATG-3'
Protein context (NP_001159435.1, residues 245-265): KKLSDVMILT[Val255=]FCLSVFALIG